The following is an entry in ClinVar:

NM_021930.6(RINT1):c.1096G>A (p.Val366Ile)

Gene: RINT1 (RAD50 interactor 1; plus strand). Cytogenetic location: 7q22.3.
Variant type: single nucleotide variant.
Coding change: c.1096G>A on transcript NM_021930.6 (MANE Select); coding-DNA position 1096, G replaced by A.
Protein change: p.Val366Ile; replaces valine 366 with isoleucine.
Molecular consequence: missense variant. On other transcripts: non-coding transcript variant (1).
Genome position (GRCh38, 1-based): chr7:105,550,154, G>A. VCF-style: chr7-105550154-G-A. GRCh37 (hg19) VCF-style: chr7-105190601-G-A.
Other names: c.862G>A, p.Val288Ile (NM_001346599.2); c.73G>A, p.Val25Ile (NM_001346600.2, NM_001346603.2); c.172G>A, p.Val58Ile (NM_001346601.2); short protein forms V58I, V288I, V366I, V25I.
Identifiers: ClinVar variation 3789193 (VCV003789193.1).
Genomic context (GRCh38, chr7:105,550,154, plus strand): 5'-AACCATACTGAATTTCTGGATGAGAAGATTCAGCCAATATTAGACAAAGTAGGCTCTTTG[G>A]TAAACGCAAGGGTAAGAGACTCAGTCATAAGTGTTTCTGTTTTAGAACTGTATGTGTGCA-3'
Protein context (NP_068749.3, residues 356-376): QPILDKVGSL[Val366Ile]NARLEFSRGL

ClinVar aggregate classification (germline): Uncertain significance (1 of 4 stars; one submission).

Submission:

Ambry Genetics
Classification: Uncertain significance. Last evaluated: 2025-02-22. Review status: criteria provided, single submitter. Criteria: Ambry Variant Classification Scheme 2023. Collection method: clinical testing. Allele origin: germline.
Comment: The p.V366I variant (also known as c.1096G>A), located in coding exon 8 of the RINT1 gene, results from a G to A substitution at nucleotide position 1096. The valine at codon 366 is replaced by isoleucine, an amino acid with highly similar properties. This amino acid position is conserved. In addition, this alteration is predicted to be tolerated by in silico analysis. Based on the available evidence, the clinical significance of this variant remains unclear.